The following is an entry in ClinVar:

ClinVar aggregate classification (germline): Uncertain significance (1 of 4 stars; one submission).

Conditions:
Atypical hemolytic-uremic syndrome with C3 anomaly. Also called: AHUS, SUSCEPTIBILITY TO, 5. Identifiers: Orphanet 2134, MedGen C2752037, MONDO:0013043, OMIM 612925.

Submission:

Foundation for Research in Genetics and Endocrinology, FRIGE's Institute of Human Genetics
Classification: Uncertain significance for Atypical hemolytic-uremic syndrome with C3 anomaly. Last evaluated: 2023-07-28. Review status: criteria provided, single submitter. Criteria: ACMG Guidelines, 2015. Collection method: clinical testing. Allele origin: germline. Inheritance: Autosomal dominant inheritance. Affected: yes. Observed: 1 heterozygote.
Comment: A heterozygous missense variant in exon 11 of the C3 gene that results in the amino acid substitution of Leucine for Phenylalanine at codon 375 (p.Phe375Leu) was detected.The p.Phe375Leu variant has not been reported in the 1000 genomes, gnomAD (v3.1), gnomdAD (v2) and topmed databases. The reference codon is conserved across mammals. In summary, the variant meets our criteria to be classified as a variant of uncertain significance.

NM_000064.4(C3):c.1125C>A (p.Phe375Leu)

Gene: C3 (complement C3; minus strand). Cytogenetic location: 19p13.3.
Variant type: single nucleotide variant.
Coding change: c.1125C>A on transcript NM_000064.4 (MANE Select); coding-DNA position 1125, C replaced by A.
Protein change: p.Phe375Leu; replaces phenylalanine 375 with leucine.
Molecular consequence: missense variant.
Genome position (GRCh38, 1-based): chr19:6,712,401, G>T on the plus strand (C>A on the coding strand, the complement: C3 is on the minus strand). VCF-style: chr19-6712401-G-T. GRCh37 (hg19) VCF-style: chr19-6712412-G-T.
Other names: p.Phe375Leu; short protein forms F375L.
Identifiers: ClinVar variation 2574569 (VCV002574569.2), dbSNP rs374431331, ClinGen allele CA403641565.